The following is an entry in ClinVar:

ClinVar aggregate classification (germline): Pathogenic/Likely pathogenic. Review status: criteria provided, multiple submitters, no conflicts (2 of 4 stars). 2 submissions from 2 submitters: Pathogenic (1); Likely pathogenic (1). Last evaluated 2024-12-08.

Conditions:
Cardiovascular phenotype. Identifiers: MedGen CN230736.
Autosomal recessive limb-girdle muscular dystrophy type 2J (LGMDR10). Also called: Limb-girdle muscular dystrophy, type 2J; MUSCULAR DYSTROPHY, LIMB-GIRDLE, AUTOSOMAL RECESSIVE 10. Identifiers: Orphanet 140922, MedGen C1837342, MONDO:0012127, OMIM 608807.
Dilated cardiomyopathy 1G (CMD1G). Identifiers: Orphanet 154, MedGen C1858763, MONDO:0011400, OMIM 604145.

Submissions (2):

Labcorp Genetics (formerly Invitae), Labcorp
Classification: Pathogenic for Dilated cardiomyopathy 1G; Autosomal recessive limb-girdle muscular dystrophy type 2J. Last evaluated: 2024-12-08. Review status: criteria provided, single submitter. Criteria: Invitae Variant Classification Sherloc (09022015). Collection method: clinical testing. Allele origin: germline.
Comment: This sequence change creates a premature translational stop signal (p.Glu26584*) in the TTN gene. While this is not anticipated to result in nonsense mediated decay, it is expected to create a truncated TTN protein. This variant is not present in population databases (gnomAD no frequency). This premature translational stop signal has been observed in individual(s) with clinical features of autosomal recessive TTN-related conditions (PMID: 34303570). In at least one individual the data is consistent with being in trans (on the opposite chromosome) from a pathogenic variant. ClinVar contains an entry for this variant (Variation ID: 3223299). This variant is located in the A band of TTN (PMID: 25589632). Truncating variants in this region are significantly overrepresented in patients affected with dilated cardiomyopathy (PMID: 25589632). Truncating variants in this region have also been reported in individuals affected with autosomal recessive centronuclear myopathy (PMID: 23975875). For these reasons, this variant has been classified as Pathogenic.

Ambry Genetics
Classification: Likely pathogenic for Cardiovascular phenotype. Last evaluated: 2023-01-17. Review status: criteria provided, single submitter. Criteria: Ambry Variant Classification Scheme 2023. Collection method: clinical testing. Allele origin: germline.
Comment: The p.E17519* variant (also known as c.52555G>T), located in coding exon 153 of the TTN gene, results from a G to T substitution at nucleotide position 52555. This changes the amino acid from a glutamic acid to a stop codon within coding exon 153. This exon is located in the A-band region of the N2-B isoform of the titin protein and is constitutively expressed in TTN transcripts (percent spliced in or PSI 100%). This alteration, noted as NM_001267550.1 p.E26584* (c.79750G>T), was reported in an infant with respiratory distress, arachnodactyly and unusual facial features who also carried a second TTN frameshift alteration (McDermott H et al. Neuromuscul Disord, 2021 Aug;31:783-787). This variant is considered to be rare based on population cohorts in the Genome Aggregation Database (gnomAD). This alteration is expected to result in loss of function by premature protein truncation or nonsense-mediated mRNA decay. While truncating variants in TTN are present in 1-3% of the general population, truncating variants in the A-band are the most common cause of dilated cardiomyopathy (DCM) (Herman DS et al. N. Engl. J. Med., 2012 Feb;366:619-28; Roberts AM et al. Sci Transl Med, 2015 Jan;7:270ra6). TTN truncating variants encoded in constitutive exons (PSI >90%) have been found to be significantly associated with DCM regardless of their position in titin (Schafer S et al. Nat. Genet., 2017 01;49:46-53). Based on the majority of available evidence to date, this variant is likely to be pathogenic.

Literature cited by the submitters: PubMed 34303570 (cited by Labcorp Genetics (formerly Invitae), Labcorp and Ambry Genetics); PubMed 25589632 (cited by Labcorp Genetics (formerly Invitae), Labcorp); PubMed 23975875 (cited by Labcorp Genetics (formerly Invitae), Labcorp).

NM_001267550.2(TTN):c.79750G>T (p.Glu26584Ter)

Genes: TTN (titin; minus strand), TTN-AS1 (TTN antisense RNA 1; plus strand). Cytogenetic location: 2q31.2.
Variant type: single nucleotide variant.
Coding change: c.79750G>T on transcript NM_001267550.2 (MANE Select); coding-DNA position 79750, G replaced by T.
Protein change: p.Glu26584Ter; replaces glutamic acid 26584 with a stop codon.
Molecular consequence: nonsense.
Genome position (GRCh38, 1-based): chr2:178,566,382, C>A on the plus strand (G>T on the coding strand, the complement: TTN is on the minus strand). VCF-style: chr2-178566382-C-A. GRCh37 (hg19) VCF-style: chr2-179431109-C-A.
Other names: c.74827G>T, p.Glu24943Ter (NM_001256850.1); c.52555G>T, p.Glu17519Ter (NM_003319.4); c.72046G>T, p.Glu24016Ter (NM_133378.4); c.52930G>T, p.Glu17644Ter (NM_133432.3); c.53131G>T, p.Glu17711Ter (NM_133437.4); short protein forms E17519*, E17644*, E17711*, E24016*, E24943*, E26584*.
Identifiers: ClinVar variation 3223299 (VCV003223299.3), dbSNP rs2468282675, ClinGen allele CA349594085.